The following is an entry in ClinVar:

ClinVar aggregate classification (germline): Uncertain significance (1 of 4 stars; one submission).

Conditions:
Cardiovascular phenotype. Identifiers: MedGen CN230736.

Allele frequency attached by ClinVar (database versions not stated): ExAC 0.00001; gnomAD 0.00001; ESP Exome Variant Server 0.00008.
gnomAD v4.1: 16 of 1,613,858 alleles (0.00099%); highest among the groups gnomAD compares: African/African-American, 0.0027%; no homozygotes.

Submission:

Ambry Genetics
Classification: Uncertain significance for Cardiovascular phenotype. Last evaluated: 2021-10-13. Review status: criteria provided, single submitter. Criteria: Ambry Variant Classification Scheme 2023. Collection method: clinical testing. Allele origin: germline.
Comment: The p.P389A variant (also known as c.1165C>G), located in coding exon 8 of the ABCG8 gene, results from a C to G substitution at nucleotide position 1165. The proline at codon 389 is replaced by alanine, an amino acid with highly similar properties. This amino acid position is conserved. In addition, this alteration is predicted to be tolerated by in silico analysis. Since supporting evidence is limited at this time, the clinical significance of this alteration remains unclear.

NM_022437.3(ABCG8):c.1165C>G (p.Pro389Ala)

Gene: ABCG8 (ATP binding cassette subfamily G member 8; plus strand). Cytogenetic location: 2p21.
Variant type: single nucleotide variant.
Coding change: c.1165C>G on transcript NM_022437.3 (MANE Select); coding-DNA position 1165, C replaced by G.
Protein change: p.Pro389Ala; replaces proline 389 with alanine.
Molecular consequence: missense variant.
Genome position (GRCh38, 1-based): chr2:43,872,260, C>G. VCF-style: chr2-43872260-C-G. GRCh37 (hg19) VCF-style: chr2-44099399-C-G.
Other names: c.1162C>G, p.Pro388Ala (NM_001357321.2); short protein forms P389A, P388A.
Identifiers: ClinVar variation 1738010 (VCV001738010.2), dbSNP rs371617725, ClinGen allele CA1637326.
Genomic context (GRCh38, chr2:43,872,260, plus strand): 5'-TGGCCACATCTTCTGCCTCCCAGCAGCGTGACCCCACTAGACACCAACTGCCTCCCGAGT[C>G]CTACGAAGATGCCTGGGGCGGTGCAGCAGTTTACGACGCTGATCCGGTAATTATCTGTCA-3'
Protein context (NP_071882.1, residues 379-399): TPLDTNCLPS[Pro389Ala]TKMPGAVQQF